The following is an entry in ClinVar:

ClinVar aggregate classification (germline): Uncertain significance. Review status: criteria provided, multiple submitters, no conflicts (2 of 4 stars). 2 submissions from 2 submitters: Uncertain significance (2). Last evaluated 2024-05-18.

gnomAD v4.1: 28 of 1,580,514 alleles (0.0018%); highest among the groups gnomAD compares: Non-Finnish European, 0.0024%; no homozygotes.

Submissions (2):

Labcorp Genetics (formerly Invitae), Labcorp
Classification: Uncertain significance. Last evaluated: 2024-05-18. Review status: criteria provided, single submitter. Criteria: Invitae Variant Classification Sherloc (09022015). Collection method: clinical testing. Allele origin: germline.
Comment: This sequence change replaces serine, which is neutral and polar, with alanine, which is neutral and non-polar, at codon 36 of the POMP protein (p.Ser36Ala). This variant is not present in population databases (gnomAD no frequency). This variant has not been reported in the literature in individuals affected with POMP-related conditions. An algorithm developed to predict the effect of missense changes on protein structure and function (PolyPhen-2) suggests that this variant is likely to be tolerated. In summary, the available evidence is currently insufficient to determine the role of this variant in disease. Therefore, it has been classified as a Variant of Uncertain Significance.

Blueprint Genetics
Classification: Uncertain significance. Last evaluated: 2023-01-20. Review status: criteria provided, single submitter. Criteria: ACMG Guidelines, 2015. Collection method: clinical testing. Allele origin: germline.

NM_015932.6(POMP):c.106T>G (p.Ser36Ala)

Gene: POMP (proteasome maturation protein; plus strand). Cytogenetic location: 13q12.3.
Variant type: single nucleotide variant.
Coding change: c.106T>G on transcript NM_015932.6 (MANE Select); coding-DNA position 106, T replaced by G.
Protein change: p.Ser36Ala; replaces serine 36 with alanine.
Molecular consequence: missense variant.
Genome position (GRCh38, 1-based): chr13:28,664,513, T>G. VCF-style: chr13-28664513-T-G. GRCh37 (hg19) VCF-style: chr13-29238650-T-G.
Other names: short protein forms S36A.
Identifiers: ClinVar variation 3680512 (VCV003680512.3).